The following is an entry in ClinVar:

ClinVar aggregate classification (germline): Uncertain significance (1 of 4 stars; one submission).

Submission:

GeneDx
Classification: Uncertain significance. Last evaluated: 2019-07-25. Review status: criteria provided, single submitter. Criteria: GeneDx Variant Classification Process June 2021. Collection method: clinical testing. Allele origin: germline. Affected: yes.
Comment: Not observed in large population cohorts (Lek et al., 2016); Nonsense variant predicted to result in protein truncation or nonsense mediated decay in a gene for which loss-of-function is not a known mechanism of disease; Has not been previously published as pathogenic or benign to our knowledge

NM_000243.3(MEFV):c.282T>G (p.Tyr94Ter)

Gene: MEFV (MEFV innate immuity regulator, pyrin; minus strand). Cytogenetic location: 16p13.3.
Variant type: single nucleotide variant.
Coding change: c.282T>G on transcript NM_000243.3 (MANE Select); coding-DNA position 282, T replaced by G.
Protein change: p.Tyr94Ter; replaces tyrosine 94 with a stop codon.
Molecular consequence: nonsense. On other transcripts: intron variant (1).
Genome position (GRCh38, 1-based): chr16:3,254,786, A>C on the plus strand (T>G on the coding strand, the complement: MEFV is on the minus strand). VCF-style: chr16-3254786-A-C. GRCh37 (hg19) VCF-style: chr16-3304786-A-C.
Other names: c.277+1525T>G (NM_001198536.2); short protein forms Y94*.
Identifiers: ClinVar variation 523836 (VCV000523836.3), dbSNP rs762535762, ClinGen allele CA394482872.